The following is an entry in ClinVar:

ClinVar aggregate classification (germline): Uncertain significance (1 of 4 stars; one submission).

gnomAD v4.1: 2 of 1,207,508 alleles (0.00017%); highest among the groups gnomAD compares: South Asian, 0.0064%; no homozygotes.

Submission:

Labcorp Genetics (formerly Invitae), Labcorp
Classification: Uncertain significance. Last evaluated: 2022-08-23. Review status: criteria provided, single submitter. Criteria: Invitae Variant Classification Sherloc (09022015). Collection method: clinical testing. Allele origin: germline.
Comment: This sequence change replaces valine, which is neutral and non-polar, with alanine, which is neutral and non-polar, at codon 13 of the GRM6 protein (p.Val13Ala). This variant is not present in population databases (gnomAD no frequency). This variant has not been reported in the literature in individuals affected with GRM6-related conditions. ClinVar contains an entry for this variant (Variation ID: 1391424). Advanced modeling of protein sequence and biophysical properties (such as structural, functional, and spatial information, amino acid conservation, physicochemical variation, residue mobility, and thermodynamic stability) performed at Invitae indicates that this missense variant is not expected to disrupt GRM6 protein function. In summary, the available evidence is currently insufficient to determine the role of this variant in disease. Therefore, it has been classified as a Variant of Uncertain Significance.

NM_000843.4(GRM6):c.38T>C (p.Val13Ala)

Gene: GRM6 (glutamate metabotropic receptor 6; minus strand). Cytogenetic location: 5q35.3.
Variant type: single nucleotide variant.
Coding change: c.38T>C on transcript NM_000843.4 (MANE Select); coding-DNA position 38, T replaced by C.
Protein change: p.Val13Ala; replaces valine 13 with alanine.
Molecular consequence: missense variant.
Genome position (GRCh38, 1-based): chr5:178,994,907, A>G on the plus strand (T>C on the coding strand, the complement: GRM6 is on the minus strand). VCF-style: chr5-178994907-A-G. GRCh37 (hg19) VCF-style: chr5-178421908-A-G.
Other names: short protein forms V13A.
Identifiers: ClinVar variation 1391424 (VCV001391424.3), dbSNP rs1760747050, ClinGen allele CA362437192.
Genomic context (GRCh38, chr5:178,994,907, plus strand): 5'-ACAGAGCCCGCCGCGCGCGCCAGGCCCGCCTGCGCCAGCCACGCCAGCGGCAGCAGCGCC[A>G]CGAGCAGCGGCTCCCGGGCTCTCCGGGGCCGCGCCATCGGCTCGTCTAGCGGGCTGCGGG-3'
Protein context (NP_000834.2, residues 3-23): RPRRAREPLL[Val13Ala]ALLPLAWLAQ